The following is an entry in ClinVar:

NM_001330360.2(POLA1):c.3100G>A (p.Glu1034Lys)

Gene: POLA1 (DNA polymerase alpha 1, catalytic subunit; plus strand). Cytogenetic location: Xp22.11.
Variant type: single nucleotide variant.
Coding change: c.3100G>A on transcript NM_001330360.2 (MANE Select); coding-DNA position 3100, G replaced by A.
Protein change: p.Glu1034Lys; replaces glutamic acid 1034 with lysine.
Molecular consequence: missense variant. On other transcripts: non-coding transcript variant (2).
Genome position (GRCh38, 1-based): chrX:24,812,667, G>A. VCF-style: chrX-24812667-G-A. GRCh37 (hg19) VCF-style: chrX-24830784-G-A.
Other names: c.3025G>A, p.Glu1009Lys (NM_001378303.1); c.3082G>A, p.Glu1028Lys (NM_016937.4); short protein forms E1009K, E1028K, E1034K.
Identifiers: ClinVar variation 3371053 (VCV003371053.1).
Genomic context (GRCh38, chrX:24,812,667, plus strand): 5'-CTCCCTATTAGATGTTTGAGAAGCTAATACTAATATTTGAAATTTTCACAGGTAAAAAGT[G>A]AAGTGAATAAGTTGTACAAACTGCTTGAAATAGACATTGATGGGGTTTTCAAGTCTCTGC-3'
Protein context (NP_001317289.1, residues 1024-1044): VFKLGNKVKS[Glu1034Lys]VNKLYKLLEI

ClinVar aggregate classification (germline): Uncertain significance (1 of 4 stars; one submission).

Submission:

GeneDx
Classification: Uncertain significance. Last evaluated: 2024-03-21. Review status: criteria provided, single submitter. Criteria: GeneDx Variant Classification Process June 2021. Collection method: clinical testing. Allele origin: germline. Affected: yes.
Comment: Not observed at significant frequency in large population cohorts (gnomAD); In silico analysis supports that this missense variant has a deleterious effect on protein structure/function; Has not been previously published as pathogenic or benign to our knowledge